The following is an entry in ClinVar:

ClinVar aggregate classification (germline): Uncertain significance. Review status: criteria provided, multiple submitters, no conflicts (2 of 4 stars). 4 submissions from 4 submitters: Uncertain significance (4). Last evaluated 2025-06-16.

Conditions:
Ataxia-telangiectasia-like disorder (ATLD). Identifiers: MedGen C1858391, MONDO:0011457.
Hereditary cancer-predisposing syndrome. Also called: Hereditary neoplastic syndrome; Neoplastic Syndromes, Hereditary; Tumor predisposition; Hereditary Cancer Syndrome. Identifiers: Orphanet 140162, MedGen C0027672, MeSH D009386, MONDO:0015356.
Ataxia-telangiectasia-like disorder 1 (ATLD1). Identifiers: Orphanet 251347, MedGen C4012790, MONDO:0024557, OMIM 604391.

Allele frequency attached by ClinVar (database versions not stated): gnomAD exomes 0.00001; ExAC 0.00002.
gnomAD v4.1: 9 of 1,612,874 alleles (0.00056%); highest among the groups gnomAD compares: East Asian, 0.011%; no homozygotes.

Submissions (4):

Women's Health and Genetics/Laboratory Corporation of America, LabCorp
Classification: Uncertain significance. Last evaluated: 2025-06-16. Review status: criteria provided, single submitter. Criteria: LabCorp Variant Classification Summary - May 2015. Collection method: clinical testing. Allele origin: germline.
Comment: Variant summary: MRE11A c.106A>G (p.Thr36Ala) results in a non-conservative amino acid change in the encoded protein sequence. Algorithms developed to predict the effect of missense changes on protein structure and function are either unavailable or do not agree on the potential impact of this missense change. The variant allele was found at a frequency of 8e-06 in 251314 control chromosomes. The available data on variant occurrences in the general population are insufficient to allow any conclusion about variant significance. To our knowledge, no occurrence of c.106A>G in individuals affected with Ataxia Telangiectasia-Like Disorder and no experimental evidence demonstrating its impact on protein function have been reported. ClinVar contains an entry for this variant (Variation ID: 185786). Based on the evidence outlined above, the variant was classified as uncertain significance.

Ambry Genetics
Classification: Uncertain significance for Hereditary cancer-predisposing syndrome. Last evaluated: 2025-05-17. Review status: criteria provided, single submitter. Criteria: Ambry Variant Classification Scheme 2023. Collection method: clinical testing. Allele origin: germline.
Comment: The p.T36A variant (also known as c.106A>G), located in coding exon 2 of the MRE11A gene, results from an A to G substitution at nucleotide position 106. The threonine at codon 36 is replaced by alanine, an amino acid with similar properties. This amino acid position is well conserved in available vertebrate species. In addition, the in silico prediction for this alteration is inconclusive. Since supporting evidence is limited at this time, the clinical significance of this alteration remains unclear.

Labcorp Genetics (formerly Invitae), Labcorp
Classification: Uncertain significance for Ataxia-telangiectasia-like disorder. Last evaluated: 2024-04-29. Review status: criteria provided, single submitter. Criteria: Invitae Variant Classification Sherloc (09022015). Collection method: clinical testing. Allele origin: germline.
Comment: This sequence change replaces threonine, which is neutral and polar, with alanine, which is neutral and non-polar, at codon 36 of the MRE11 protein (p.Thr36Ala). This variant is present in population databases (rs774330292, gnomAD 0.002%). This variant has not been reported in the literature in individuals affected with MRE11-related conditions. ClinVar contains an entry for this variant (Variation ID: 185786). An algorithm developed to predict the effect of missense changes on protein structure and function (PolyPhen-2) suggests that this variant is likely to be tolerated. In summary, the available evidence is currently insufficient to determine the role of this variant in disease. Therefore, it has been classified as a Variant of Uncertain Significance.

Baylor Genetics
Classification: Uncertain significance for Ataxia-telangiectasia-like disorder 1. Last evaluated: 2023-05-04. Review status: criteria provided, single submitter. Criteria: ACMG Guidelines, 2015. Collection method: clinical testing. Allele origin: unknown.

NM_005591.4(MRE11):c.106A>G (p.Thr36Ala)

Gene: MRE11 (MRE11 double strand break repair nuclease; minus strand). Cytogenetic location: 11q21.
Variant type: single nucleotide variant.
Coding change: c.106A>G on transcript NM_005591.4 (MANE Select); coding-DNA position 106, A replaced by G.
Protein change: p.Thr36Ala; replaces threonine 36 with alanine.
Molecular consequence: missense variant.
Genome position (GRCh38, 1-based): chr11:94,490,880, T>C on the plus strand (A>G on the coding strand, the complement: MRE11 is on the minus strand). VCF-style: chr11-94490880-T-C. GRCh37 (hg19) VCF-style: chr11-94224046-T-C.
Other names: c.106A>G, p.Thr36Ala (NM_001330347.2, NM_005590.4); short protein forms T36A.
Identifiers: ClinVar variation 185786 (VCV000185786.18), dbSNP rs774330292, ClinGen allele CA192942.
Genomic context (GRCh38, chr11:94,490,880, plus strand): 5'-AAACCACACTCACTTCATTTTCCTGGGCAAGTCTTAAAATTTCATCGAGTGTTACAAACG[T>C]ATCATTTCCTCTGACTGCATCTTTCTCCATAAATCCAAGATGAATATCTGTTGCAACTAA-3'
Protein context (NP_005582.1, residues 26-46): MEKDAVRGND[Thr36Ala]FVTLDEILRL